The following is an entry in ClinVar:

ClinVar aggregate classification (germline): Pathogenic. Review status: criteria provided, multiple submitters, no conflicts (2 of 4 stars). 2 submissions from 2 submitters: Pathogenic (2). Last evaluated 2022-02-06.

Conditions:
Osteogenesis imperfecta (OI). Identifiers: Orphanet 666, MedGen C0029434, MeSH D010013, MONDO:0019019.
Osteogenesis imperfecta type I (OI1). Also called: Classic Non-deforming Osteogenesis Imperfecta with Blue Sclerae; Osteogenesis imperfecta type 1; OI, TYPE I; OSTEOGENESIS IMPERFECTA TARDA; OSTEOGENESIS IMPERFECTA WITH BLUE SCLERAE; Lobstein disease. Identifiers: Orphanet 216796, Orphanet 666, MedGen C0023931, MONDO:0008146, OMIM 166200. Disease mechanism: loss of function.

Submissions (2):

Institute of Medical Genetics and Genomics, Sir Ganga Ram Hospital
Classification: Pathogenic for Osteogenesis imperfecta. Last evaluated: 2022-02-06. Review status: criteria provided, single submitter. Criteria: ACMG Guidelines, 2015. Collection method: clinical testing. Allele origin: germline. Affected: yes. Observed: 1 variant allele.

Labcorp Genetics (formerly Invitae), Labcorp
Classification: Pathogenic for Osteogenesis imperfecta type I. Last evaluated: 2021-04-27. Review status: criteria provided, single submitter. Criteria: Invitae Variant Classification Sherloc (09022015). Collection method: clinical testing. Allele origin: germline.
Comment: This sequence change creates a premature translational stop signal (p.Gly944Valfs*164) in the COL1A1 gene. It is expected to result in an absent or disrupted protein product. Loss-of-function variants in COL1A1 are known to be pathogenic (PMID: 7942841, 9295084, 9443882). This variant is not present in population databases (ExAC no frequency). For these reasons, this variant has been classified as Pathogenic. Algorithms developed to predict the effect of sequence changes on RNA splicing suggest that this variant may create or strengthen a splice site, but this prediction has not been confirmed by published transcriptional studies. This variant has not been reported in the literature in individuals with COL1A1-related conditions.

Literature cited by the submitters: PubMed 31363794 (cited by Institute of Medical Genetics and Genomics, Sir Ganga Ram Hospital); PubMed 29499418 (cited by Institute of Medical Genetics and Genomics, Sir Ganga Ram Hospital); PubMed 30614853 (cited by Institute of Medical Genetics and Genomics, Sir Ganga Ram Hospital); PubMed 34249109 (cited by Institute of Medical Genetics and Genomics, Sir Ganga Ram Hospital); PubMed 34091789 (cited by Institute of Medical Genetics and Genomics, Sir Ganga Ram Hospital); PubMed 33939306 (cited by Institute of Medical Genetics and Genomics, Sir Ganga Ram Hospital); PubMed 7942841 (cited by Labcorp Genetics (formerly Invitae), Labcorp); PubMed 9295084 (cited by Labcorp Genetics (formerly Invitae), Labcorp); PubMed 9443882 (cited by Labcorp Genetics (formerly Invitae), Labcorp).

NM_000088.4(COL1A1):c.2831delG

Gene: COL1A1 (collagen type I alpha 1 chain; minus strand). Cytogenetic location: 17q21.33.
Variant type: Deletion.
Coding change: c.2831delG on transcript NM_000088.4 (MANE Select); coding-DNA position 2831, one base deleted (G).
Molecular consequence: splice acceptor variant.
Genome position (GRCh38, 1-based): chr17:50,189,274, C deleted on the plus strand (G on the coding strand, the reverse complement: COL1A1 is on the minus strand); the first of 3 consecutive C bases (chr17:50,189,274-50,189,276); deleting any one gives the same sequence. VCF-style (leftmost placement, unchanged base first): chr17-50189273-AC-A. GRCh37 (hg19) VCF-style: chr17-48266634-AC-A.
Other names: p.Gly944Val fs*164.
Identifiers: ClinVar variation 1341496 (VCV001341496.9), dbSNP rs2144549369, ClinGen allele CA2573054481.